The following is an entry in ClinVar:

NM_006214.4(PHYH):c.829-1G>A

Gene: PHYH (phytanoyl-CoA 2-hydroxylase; minus strand). Cytogenetic location: 10p13.
Variant type: single nucleotide variant.
Coding change: c.829-1G>A on transcript NM_006214.4 (MANE Select); the canonical splice acceptor site of the intron before coding-DNA position 829, G replaced by A.
Molecular consequence: splice acceptor variant.
Genome position (GRCh38, 1-based): chr10:13,281,111, C>T on the plus strand (G>A on the coding strand, the complement: PHYH is on the minus strand). VCF-style: chr10-13281111-C-T. GRCh37 (hg19) VCF-style: chr10-13323111-C-T.
Other names: c.565-1G>A (NM_001323083.2); c.835-1G>A (NM_001323082.2); c.529-1G>A (NM_001037537.2, NM_001323080.2); c.535-1G>A (NM_001323084.2).
Identifiers: ClinVar variation 1066751 (VCV001066751.8), dbSNP rs2131630730, ClinGen allele CA376051693.

ClinVar aggregate classification (germline): Likely pathogenic (1 of 4 stars; one submission).

Submission:

Labcorp Genetics (formerly Invitae), Labcorp
Classification: Likely pathogenic. Last evaluated: 2020-03-25. Review status: criteria provided, single submitter. Criteria: Invitae Variant Classification Sherloc (09022015). Collection method: clinical testing. Allele origin: germline.
Comment: In summary, the currently available evidence indicates that the variant is pathogenic, but additional data are needed to prove that conclusively. Therefore, this variant has been classified as Likely Pathogenic. Donor and acceptor splice site variants typically lead to a loss of protein function (PMID: 16199547), and loss-of-function variants in PHYH are known to be pathogenic (PMID: 9326940, 14974078). Algorithms developed to predict the effect of sequence changes on RNA splicing suggest that this variant may disrupt the consensus splice site, but this prediction has not been confirmed by published transcriptional studies. This variant has not been reported in the literature in individuals with PHYH-related conditions. This variant is not present in population databases (ExAC no frequency). This sequence change affects an acceptor splice site in intron 7 of the PHYH gene. It is expected to disrupt RNA splicing and likely results in an absent or disrupted protein product.

Literature cited by the submitters: PubMed 16199547; PubMed 9326940; PubMed 14974078.